The following is an entry in ClinVar:

ClinVar aggregate classification (germline): Conflicting classifications of pathogenicity. Review status: criteria provided, conflicting classifications (1 of 4 stars). 7 submissions from 7 submitters: Uncertain significance (4); Likely benign (3). Last evaluated 2026-04-06.

Conditions:
F13A1-related disorder. Also called: F13A1-related condition.
Factor XIII, A subunit, deficiency of. Also called: Factor XIII subunit A deficiency. Identifiers: Orphanet 331, MedGen C2750514, MONDO:0013187, OMIM 613225, HP:0040233.

Allele frequency attached by ClinVar (database versions not stated): gnomAD exomes 0.00135 and 0.00290; gnomAD 0.00178 and 0.00174; ESP Exome Variant Server 0.00200; TOPMed 0.00178; 1000 Genomes Project 0.00100; 1000 Genomes Project 30x 0.00078; ExAC 0.00120.
gnomAD v4.1: 4,420 of 1,614,134 alleles (0.27%); highest among the groups gnomAD compares: Non-Finnish European, 0.35%; 14 homozygotes.

Submissions (7):

GeneDx
Classification: Uncertain significance. Last evaluated: 2026-04-06. Review status: criteria provided, single submitter. Criteria: GeneDx Variant Classification Process June 2021. Collection method: clinical testing. Allele origin: germline.
Comment: In silico analysis supports that this missense variant has a deleterious effect on protein structure/function; Has not been previously reported as pathogenic or benign in association with F13A1-related disorders to our knowledge; This variant is associated with the following publications: (PMID: 33114181)

PreventionGenetics, part of Exact Sciences
Classification: Likely benign for F13A1-related condition. Last evaluated: 2025-01-14. Review status: criteria provided, single submitter. Criteria: ACMG Guidelines, 2015. Collection method: clinical testing. Allele origin: germline.
Comment: This variant is classified as likely benign based on ACMG/AMP sequence variant interpretation guidelines (Richards et al. 2015 PMID: 25741868, with internal and published modifications).

Blueprint Genetics
Classification: Uncertain significance. Last evaluated: 2024-11-06. Review status: criteria provided, single submitter. Criteria: ACMG Guidelines, 2015. Collection method: clinical testing. Allele origin: germline.

Women's Health and Genetics/Laboratory Corporation of America, LabCorp
Classification: Likely benign. Last evaluated: 2022-10-28. Review status: criteria provided, single submitter. Criteria: LabCorp Variant Classification Summary - May 2015. Collection method: clinical testing. Allele origin: germline.
Comment: Variant summary: F13A1 c.1730C>T (p.Thr577Met) results in a non-conservative amino acid change located in the Transglutaminase, C-terminal domain (P00488) of the encoded protein sequence. Four of five in-silico tools predict a benign effect of the variant on protein function. The variant allele was found at a frequency of 0.0013 in 251178 control chromosomes in the gnomAD database, including 2 homozygotes. c.1730C>T has been reported in the literature in individuals affected angioedema with normal C1 inhibitor (nl-C1-INH-HAE) and authors classified the variant as benign (example: Loules_2020). To our knowledge, no experimental evidence demonstrating an impact on protein function has been reported. Two clinical diagnostic laboratories have submitted clinical-significance assessments for this variant to ClinVar after 2014 and classified the variant as uncertain significance. Based on the evidence outlined above, the variant was classified as likely benign.

Mendelics
Classification: Uncertain significance. Last evaluated: 2022-05-04. Review status: criteria provided, single submitter. Criteria: Mendelics Assertion Criteria 2019. Collection method: clinical testing. Allele origin: germline.

Mayo Clinic Laboratories, Mayo Clinic
Classification: Likely benign. Last evaluated: 2021-01-22. Review status: criteria provided, single submitter. Criteria: ACMG Guidelines, 2015. Collection method: clinical testing. Allele origin: germline. Observed: 2 variant alleles.

Illumina Laboratory Services, Illumina
Classification: Uncertain significance for Factor XIII, A subunit, deficiency of. Last evaluated: 2017-04-27. Review status: criteria provided, single submitter. Criteria: ICSL Variant Classification Criteria 13 December 2019. Collection method: clinical testing. Allele origin: germline.

Literature cited by the submitters: PubMed 33114181 (cited by Women's Health and Genetics/Laboratory Corporation of America, LabCorp).

NM_000129.4(F13A1):c.1730C>T (p.Thr577Met)

Gene: F13A1 (coagulation factor XIII A chain; minus strand). Cytogenetic location: 6p25.1.
Variant type: single nucleotide variant.
Coding change: c.1730C>T on transcript NM_000129.4 (MANE Select); coding-DNA position 1730, C replaced by T.
Protein change: p.Thr577Met; replaces threonine 577 with methionine.
Molecular consequence: missense variant.
Genome position (GRCh38, 1-based): chr6:6,174,597, G>A on the plus strand (C>T on the coding strand, the complement: F13A1 is on the minus strand). VCF-style: chr6-6174597-G-A. GRCh37 (hg19) VCF-style: chr6-6174830-G-A.
Other names: p.Thr577Met; short protein forms T577M.
Identifiers: ClinVar variation 910507 (VCV000910507.10), dbSNP rs143711562, ClinGen allele CA3624268.